The following is an entry in ClinVar:

NM_030665.4(RAI1):c.98C>T (p.Pro33Leu)

Gene: RAI1 (retinoic acid induced 1; plus strand). Cytogenetic location: 17p11.2.
Variant type: single nucleotide variant.
Coding change: c.98C>T on transcript NM_030665.4 (MANE Select); coding-DNA position 98, C replaced by T.
Protein change: p.Pro33Leu; replaces proline 33 with leucine.
Molecular consequence: missense variant.
Genome position (GRCh38, 1-based): chr17:17,793,046, C>T. VCF-style: chr17-17793046-C-T. GRCh37 (hg19) VCF-style: chr17-17696360-C-T.
Other names: c.98C>T (NM_030665.3); short protein forms P33L.
Identifiers: ClinVar variation 1373332 (VCV001373332.40), dbSNP rs753461570, ClinGen allele CA8418039.
Genomic context (GRCh38, chr17:17,793,046, plus strand): 5'-AACAACAGAACTACCAGCAGACCTCGCAGGAAACATCACGCCTAGAGAATTACAGGCAGC[C>T]GAGTCAGGCCGGGCTAAGCTGCGACCGGCAGCGGCTGCTCGCCAAGGACTATTATAACCC-3'
Protein context (NP_109590.3, residues 23-43): ETSRLENYRQ[Pro33Leu]SQAGLSCDRQ

ClinVar aggregate classification (germline): Conflicting classifications of pathogenicity. Review status: criteria provided, conflicting classifications (1 of 4 stars). 4 submissions from 4 submitters: Uncertain significance (3); Benign (1). Last evaluated 2025-09-10.

Conditions:
RAI1-related disorder. Also called: RAI1-related condition.

Allele frequency attached by ClinVar (database versions not stated): gnomAD exomes below 0.00001; TOPMed below 0.00001; ExAC 0.00001.
gnomAD v4.1: 5 of 1,614,170 alleles (0.00031%); highest among the groups gnomAD compares: Middle Eastern, 0.017%; no homozygotes.

Submissions (4):

Labcorp Genetics (formerly Invitae), Labcorp
Classification: Benign. Last evaluated: 2025-09-10. Review status: criteria provided, single submitter. Criteria: Invitae Variant Classification Sherloc (09022015). Collection method: clinical testing. Allele origin: germline.

PreventionGenetics, part of Exact Sciences
Classification: Uncertain significance for RAI1-related condition. Last evaluated: 2025-03-17. Review status: criteria provided, single submitter. Criteria: ACMG Guidelines, 2015. Collection method: clinical testing. Allele origin: germline.
Comment: The RAI1 c.98C>T variant is predicted to result in the amino acid substitution p.Pro33Leu. To our knowledge, this variant has not been reported in the literature. This variant is reported in 0.00088% of alleles in individuals of European (Non-Finnish) descent in gnomAD. At this time, the clinical significance of this variant is uncertain due to the absence of conclusive functional and genetic evidence.

Women's Health and Genetics/Laboratory Corporation of America, LabCorp
Classification: Uncertain significance. Last evaluated: 2024-05-06. Review status: criteria provided, single submitter. Criteria: LabCorp Variant Classification Summary - May 2015. Collection method: clinical testing. Allele origin: germline.
Comment: Variant summary: RAI1 c.98C>T (p.Pro33Leu) results in a non-conservative amino acid change in the encoded protein sequence. Three of five in-silico tools predict a benign effect of the variant on protein function. The variant allele was found at a frequency of 4e-06 in 250864 control chromosomes. The available data on variant occurrences in the general population are insufficient to allow any conclusion about variant significance. To our knowledge, no occurrence of c.98C>T in individuals affected with Smith-Magenis Syndrome and no experimental evidence demonstrating its impact on protein function have been reported. ClinVar contains an entry for this variant (Variation ID: 1373332). Based on the evidence outlined above, the variant was classified as uncertain significance.

CeGaT Center for Human Genetics Tuebingen
Classification: Uncertain significance. Last evaluated: 2022-02-01. Review status: criteria provided, single submitter. Criteria: CeGaT Center For Human Genetics Tuebingen Variant Classification Criteria Version 2. Collection method: clinical testing. Allele origin: germline. Affected: yes. Observed: 1 variant allele.